The following is an entry in ClinVar:

NM_000051.4(ATM):c.5910A>G (p.Gln1970=)

Genes: ATM (ATM serine/threonine kinase; plus strand), C11orf65 (chromosome 11 open reading frame 65; minus strand). Cytogenetic location: 11q22.3.
Variant type: single nucleotide variant.
Coding change: c.5910A>G on transcript NM_000051.4 (MANE Select); coding-DNA position 5910, A replaced by G.
Protein change: p.Gln1970=; no amino-acid change (glutamine 1970 retained).
Molecular consequence: synonymous variant. On other transcripts: intron variant (2).
Genome position (GRCh38, 1-based): chr11:108,310,307, A>G. VCF-style: chr11-108310307-A-G. GRCh37 (hg19) VCF-style: chr11-108181034-A-G.
Other names: c.5910A>G, p.Gln1970= (NM_001351834.2); c.641-1236T>C (NM_001330368.2); c.*39-1236T>C (NM_001351110.2).
Identifiers: ClinVar variation 2186463 (VCV002186463.4), dbSNP rs2547030544, ClinGen allele CA476675515.

ClinVar aggregate classification (germline): Benign/Likely benign. Review status: criteria provided, multiple submitters, no conflicts (2 of 4 stars). 2 submissions from 2 submitters: Benign (1); Likely benign (1). Last evaluated 2025-09-30.

Conditions:
Ataxia-telangiectasia syndrome (AT). Also called: ATAXIA-TELANGIECTASIA, COMPLEMENTATION GROUP A; ATAXIA-TELANGIECTASIA, FRESNO VARIANT; Ataxia-telangiectasia; Ataxia-telangiectasia, complementation group E; LOUIS-BAR SYNDROME; Cerebello-oculocutaneous telangiectasia. Identifiers: Orphanet 100, MedGen C0004135, MONDO:0008840, OMIM 208900.
Familial cancer of breast. Also called: BREAST CANCER, FAMILIAL; hereditary breast carcinoma; Hereditary breast cancer. Identifiers: Orphanet 227535, MedGen C0346153, MONDO:0016419, OMIM 114480. Disease mechanism: loss of function.

Submissions (2):

Labcorp Genetics (formerly Invitae), Labcorp
Classification: Likely benign for Ataxia-telangiectasia syndrome. Last evaluated: 2025-09-30. Review status: criteria provided, single submitter. Criteria: Invitae Variant Classification Sherloc (09022015). Collection method: clinical testing. Allele origin: germline.

Myriad Genetics, Inc.
Classification: Benign for Familial cancer of breast. Last evaluated: 2024-05-28. Review status: criteria provided, single submitter. Criteria: Myriad Autosomal Dominant, Autosomal Recessive and X-Linked Classification Criteria (2023). Collection method: clinical testing. Allele origin: unknown.
Comment: This variant is considered benign. This variant is a silent/synonymous amino acid change and it is not expected to impact splicing.